The following is an entry in ClinVar:

ClinVar aggregate classification (germline): Conflicting classifications of pathogenicity. Review status: criteria provided, conflicting classifications (1 of 4 stars). 2 submissions from 2 submitters: Uncertain significance (1); Likely benign (1). Last evaluated 2024-10-24.

Conditions:
Intellectual developmental disorder, autosomal dominant 1. Also called: MBD5 Haploinsufficiency; Intellectual disability, autosomal dominant 1. Identifiers: Orphanet 228402, MedGen C1969562, MONDO:0007974, OMIM 156200.
Inborn genetic diseases. Identifiers: MedGen C0950123, MeSH D030342.

Allele frequency attached by ClinVar (database versions not stated): gnomAD exomes 0.00001; TOPMed 0.00001; ExAC 0.00002.
gnomAD v4.1: 19 of 1,613,494 alleles (0.0012%); highest among the groups gnomAD compares: East Asian, 0.0045%; no homozygotes.

Submissions (2):

Labcorp Genetics (formerly Invitae), Labcorp
Classification: Uncertain significance for Intellectual developmental disorder, autosomal dominant 1. Last evaluated: 2024-10-24. Review status: criteria provided, single submitter. Criteria: Invitae Variant Classification Sherloc (09022015). Collection method: clinical testing. Allele origin: germline.
Comment: This sequence change replaces arginine, which is basic and polar, with cysteine, which is neutral and slightly polar, at codon 28 of the MBD5 protein (p.Arg28Cys). This variant is present in population databases (rs772364272, gnomAD 0.006%). This variant has not been reported in the literature in individuals affected with MBD5-related conditions. Invitae Evidence Modeling of protein sequence and biophysical properties (such as structural, functional, and spatial information, amino acid conservation, physicochemical variation, residue mobility, and thermodynamic stability) indicates that this missense variant is not expected to disrupt MBD5 protein function with a negative predictive value of 80%. In summary, the available evidence is currently insufficient to determine the role of this variant in disease. Therefore, it has been classified as a Variant of Uncertain Significance.

Ambry Genetics
Classification: Likely benign for Inborn genetic diseases. Last evaluated: 2023-09-26. Review status: criteria provided, single submitter. Criteria: Ambry Variant Classification Scheme 2023. Collection method: clinical testing. Allele origin: germline.

NM_001378120.1(MBD5):c.82C>T (p.Arg28Cys)

Gene: MBD5 (methyl-CpG binding domain protein 5; plus strand). Cytogenetic location: 2q23.1.
Variant type: single nucleotide variant.
Coding change: c.82C>T on transcript NM_001378120.1 (MANE Select); coding-DNA position 82, C replaced by T.
Protein change: p.Arg28Cys; replaces arginine 28 with cysteine.
Molecular consequence: missense variant.
Genome position (GRCh38, 1-based): chr2:148,458,840, C>T. VCF-style: chr2-148458840-C-T. GRCh37 (hg19) VCF-style: chr2-149216409-C-T.
Other names: c.82C>T (NM_018328.4); c.82C>T, p.Arg28Cys (NM_018328.5); short protein forms R28C.
Identifiers: ClinVar variation 2884640 (VCV002884640.4), dbSNP rs772364272, ClinGen allele CA1899809.